The following is an entry in ClinVar:

ClinVar aggregate classification (germline): Likely benign. Review status: criteria provided, multiple submitters, no conflicts (2 of 4 stars). 2 submissions from 2 submitters: Likely benign (2). Last evaluated 2026-04-01.

Conditions:
Charcot-Marie-Tooth disease axonal type 2P. Also called: Charcot-Marie-Tooth Neuropathy Type 2G; CHARCOT-MARIE-TOOTH DISEASE, AXONAL, TYPE 2G; CMT 2G; CHARCOT-MARIE-TOOTH NEUROPATHY, TYPE 2P. Identifiers: Orphanet 300319, Orphanet 99941, MedGen C3280797, MONDO:0013753, OMIM 614436.

Allele frequency attached by ClinVar (database versions not stated): gnomAD exomes 0.00003 and 0.00013; gnomAD 0.00005; ExAC 0.00009; TOPMed 0.00010.
gnomAD v4.1: 51 of 1,608,724 alleles (0.0032%); highest among the groups gnomAD compares: Admixed American, 0.071%; no homozygotes.

Submissions (2):

CeGaT Center for Human Genetics Tuebingen
Classification: Likely benign. Last evaluated: 2026-04-01. Review status: criteria provided, single submitter. Criteria: CeGaT Center For Human Genetics Tuebingen Variant Classification Criteria Version 2. Collection method: clinical testing. Allele origin: germline. Affected: yes. Observed: 1 variant allele.
Comment: LRSAM1: BP4

Labcorp Genetics (formerly Invitae), Labcorp
Classification: Likely benign for Charcot-Marie-Tooth disease axonal type 2P. Last evaluated: 2025-10-19. Review status: criteria provided, single submitter. Criteria: Invitae Variant Classification Sherloc (09022015). Collection method: clinical testing. Allele origin: germline.

NM_001005373.4(LRSAM1):c.529-6C>T

Gene: LRSAM1 (leucine rich repeat and sterile alpha motif containing 1; plus strand). Cytogenetic location: 9q33.3.
Variant type: single nucleotide variant.
Coding change: c.529-6C>T on transcript NM_001005373.4 (MANE Select); 6 bases into the intron before coding-DNA position 529, C replaced by T.
Molecular consequence: intron variant.
Genome position (GRCh38, 1-based): chr9:127,467,734, C>T. VCF-style: chr9-127467734-C-T. GRCh37 (hg19) VCF-style: chr9-130230013-C-T.
Other names: c.529-6C>T (NM_138361.5, NM_001384142.1, NM_001384143.1 and 2 more transcripts); c.-256-6C>T (NM_001384144.1).
Identifiers: ClinVar variation 414878 (VCV000414878.13), dbSNP rs754162095, ClinGen allele CA5246588.